The following is an entry in ClinVar:

NM_001164508.2(NEB):c.12375del (p.Gly4124_Trp4125insTer)

Gene: NEB (nebulin; minus strand). Cytogenetic location: 2q23.3.
Variant type: Deletion.
Coding change: c.12375del on transcript NM_001164508.2 (MANE Select); coding-DNA position 12375, one base deleted (G; older notation c.12375delG).
Protein change: p.Gly4124_Trp4125insTer.
Molecular consequence: nonsense. On other transcripts: intron variant (1).
Genome position (GRCh38, 1-based): chr2:151,608,632, C deleted on the plus strand (G on the coding strand, the reverse complement: NEB is on the minus strand); the first of 2 consecutive C bases (chr2:151,608,632-151,608,633); deleting either gives the same sequence. VCF-style (leftmost placement, unchanged base first): chr2-151608631-TC-T. GRCh37 (hg19) VCF-style: chr2-152465145-TC-T.
Other names: c.12375del, p.Gly4124_Trp4125insTer (NM_001164507.2, NM_001271208.2); c.11601+1177del (NM_004543.5).
Identifiers: ClinVar variation 2710105 (VCV002710105.3), dbSNP rs2552225936, ClinGen allele CA2697551192.

ClinVar aggregate classification (germline): Pathogenic (1 of 4 stars; one submission).

Conditions:
Nemaline myopathy 2 (NEM2). Also called: Nemaline myopathy 2, autosomal recessive. Identifiers: MedGen C1850569, MONDO:0009725, OMIM 256030.

Submission:

Labcorp Genetics (formerly Invitae), Labcorp
Classification: Pathogenic for Nemaline myopathy 2. Last evaluated: 2024-01-18. Review status: criteria provided, single submitter. Criteria: Invitae Variant Classification Sherloc (09022015). Collection method: clinical testing. Allele origin: germline.
Comment: This variant occurs in a region of NEB (Exons 82-105) consisting of three highly homologous 8-exon repeat units (exons 82-89, exons 90-97, exons 98-105). Sequence variants in this region can be detected, but this assay cannot determine which of the three repeat units is affected, and zygosity is often ambiguous. All variants in this region are reported relative to the exon 82-89 repeat. This sequence change creates a premature translational stop signal (p.Trp4125*) in the NEB gene. It is expected to result in an absent or disrupted protein product. Loss-of-function variants in NEB are known to be pathogenic (PMID: 25205138). The frequency data for this variant in the population databases (gnomAD) is considered unreliable due to the presence of homologous sequence, such as pseudogenes or paralogs, in the genome. This variant has not been reported in the literature in individuals affected with NEB-related conditions. For these reasons, this variant has been classified as Pathogenic.

Literature cited by the submitters: PubMed 25205138.